The following is an entry in ClinVar:

ClinVar aggregate classification (germline): Pathogenic/Likely pathogenic. Review status: criteria provided, multiple submitters, no conflicts (2 of 4 stars). 13 submissions from 13 submitters: Pathogenic (10); Likely pathogenic (1). 2 of the submissions do not count toward it. Last evaluated 2026-06-04.

Conditions:
PEX12-related disorder. Also called: PEX12-related disorders; PEX12-related condition.
Peroxisome biogenesis disorder. Identifiers: Orphanet 79189, MedGen C1832200, MONDO:0019234. Disease mechanism: loss of function.
Peroxisome biogenesis disorder 3A (Zellweger). Also called: PEROXISOMAL BIOGENESIS DISORDER 3A (ZELLWEGER); Peroxisome biogenesis disorder 3A. Identifiers: Orphanet 912, MedGen C3553929, MONDO:0013927, OMIM 614859.
Peroxisome biogenesis disorder type 3B. Identifiers: Orphanet 44, Orphanet 772, MedGen C3550693, MONDO:0009959, OMIM 266510.

Allele frequency attached by ClinVar (database versions not stated): gnomAD 0.00003; TOPMed 0.00010; ESP Exome Variant Server 0.00015.

Submissions (14):

PreventionGenetics, part of Exact Sciences
Classification: Pathogenic for PEX12-related condition. Last evaluated: 2026-06-04. Review status: criteria provided, single submitter. Criteria: ACMG Guidelines, 2015. Collection method: clinical testing. Allele origin: germline.
Comment: The PEX12 c.126+1G>T variant is predicted to disrupt the GT donor site and interfere with normal splicing. This variant has been reported in patients with Zellweger syndrome (also described as IVS1+1G>T; Chang and Gould 1998. PubMed ID: 9792857; Steinberg et al. 2004. PubMed ID: 15542397; Ebberink et al. 2011. PubMed ID: 21031596). This variant is reported in 0.0054% of alleles in individuals of European (Non-Finnish) descent in gnomAD. Variants that disrupt the consensus splice donor site in PEX12 are expected to be pathogenic. This variant is interpreted as pathogenic.

Labcorp Genetics (formerly Invitae), Labcorp
Classification: Pathogenic for Peroxisome biogenesis disorder 3A (Zellweger). Last evaluated: 2026-01-12. Review status: criteria provided, single submitter. Criteria: Invitae Variant Classification Sherloc (09022015). Collection method: clinical testing. Allele origin: germline.
Comment: This sequence change affects a donor splice site in intron 1 of the PEX12 gene. It is expected to disrupt RNA splicing. Variants that disrupt the donor or acceptor splice site typically lead to a loss of protein function (PMID: 16199547), and loss-of-function variants in PEX12 are known to be pathogenic (PMID: 9090384, 9632816, 21031596). This variant is present in population databases (rs144259891, gnomAD 0.006%). Disruption of this splice site has been observed in individuals with PEX12-related conditions (PMID: 9792857, 21031596). ClinVar contains an entry for this variant (Variation ID: 371718). Algorithms developed to predict the effect of sequence changes on RNA splicing suggest that this variant may disrupt the consensus splice site. For these reasons, this variant has been classified as Pathogenic.

Dasa
Classification: Pathogenic. Last evaluated: 2025-06-06. Review status: criteria provided, single submitter. Criteria: DASA Assertion Criteria. Collection method: clinical testing. Allele origin: germline.
Comment: NM_000286.3(PEX12):c.126+1G>T introduces a premature termination codon predicted to result in loss of normal protein function. Loss-of-function is an established mechanism of disease for this gene. This variant has been observed in affected individuals with related phenotype in a genotype context consistent with recessive disease (PMID: 9792857; PMID: 21031596; PMID: 33123925; PMID: 22871920). This variant has been recurrently observed in individuals with related phenotype (PMID: 9792857; PMID: 21031596; PMID: 33123925; PMID: 22871920). The variant is present at low frequency in population datasets. Based on the available data, this variant is classified as pathogenic.

Baylor Genetics
Classification: Pathogenic for Peroxisome biogenesis disorder 3A (Zellweger). Last evaluated: 2024-03-29. Review status: criteria provided, single submitter. Criteria: ACMG Guidelines, 2015. Collection method: clinical testing. Allele origin: unknown.

Blueprint Genetics
Classification: Pathogenic for PEX12-related disorders. Last evaluated: 2023-10-25. Review status: criteria provided, single submitter. Criteria: ACMG Guidelines, 2015. Collection method: clinical testing. Allele origin: germline. Affected: yes. Observed: 5 variant alleles.

GeneDx
Classification: Likely pathogenic. Last evaluated: 2023-08-29. Review status: criteria provided, single submitter. Criteria: GeneDx Variant Classification Process June 2021. Collection method: clinical testing. Allele origin: germline. Affected: yes.
Comment: Observed with a second PEX12 variant on the opposite allele (in trans) in individuals with Zellweger spectrum disorders in published literature (Chang and Gould, 1998; Demaret et al., 2018).; Canonical splice site variant predicted to result in an in-frame loss of the adjacent exon in a gene for which loss of function is a known mechanism of disease; Not observed at significant frequency in large population cohorts (gnomAD); This variant is associated with the following publications: (PMID: 15542397, 9632816, 9090384, 16199547, 33123925, 21031596, 29453832, 22871920, 31980526, 9792857)

Department of Pathology and Laboratory Medicine, Sinai Health System
Classification: Pathogenic for peroxisome biogenesis disorder. Last evaluated: 2023-01-23. Review status: criteria provided, single submitter. Criteria: ACMG Guidelines, 2015. Collection method: research. Allele origin: germline.

Fulgent Genetics
Classification: Pathogenic for Peroxisome biogenesis disorder type 3B; Peroxisome biogenesis disorder 3A (Zellweger). Last evaluated: 2021-12-09. Review status: criteria provided, single submitter. Criteria: ACMG Guidelines, 2015. Collection method: clinical testing. Allele origin: unknown.

Myriad Genetics, Inc.
Classification: Pathogenic for Peroxisome biogenesis disorder 3A (Zellweger). Last evaluated: 2021-10-20. Review status: criteria provided, single submitter. Criteria: Myriad Women's Health Autosomal Recessive and X-Linked Classification Criteria (2021). Collection method: clinical testing. Allele origin: unknown.
Comment: NM_000286.2(PEX12):c.126+1G>T is a canonical splice variant classified as pathogenic in the context of peroxisome biogenesis disorder type 3. c.126+1G>T has been observed in cases with relevant disease (PMID: 9792857, 21031596). Functional assessments of this variant are available in the literature (PMID: 9792857). c.126+1G>T has been observed in population frequency databases (gnomAD: NFE 0.01%). In summary, NM_000286.2(PEX12):c.126+1G>T is a canonical splice variant in a gene where loss of function is a known mechanism of disease, is predicted to disrupt protein function, and has been observed more frequently in cases with the relevant disease than in healthy populations. Please note: this variant was assessed in the context of healthy population screening.

Eurofins Ntd Llc (ga)
Classification: Pathogenic. Last evaluated: 2017-11-27. Review status: criteria provided, single submitter. Criteria: EGL Classification Definitions 2015. Collection method: clinical testing. Allele origin: germline. Observed: 3 variant alleles, 3 heterozygotes.

Women's Health and Genetics/Laboratory Corporation of America, LabCorp
Classification: Pathogenic for Peroxisome biogenesis disorder. Last evaluated: 2017-03-23. Review status: criteria provided, single submitter. Criteria: LabCorp Variant Classification Summary - May 2015. Collection method: clinical testing. Allele origin: germline.
Comment: Variant summary: The PEX12 c.126+1G>T variant involves the alteration of a conserved intronic nucleotide 1 base pair upstream of the exon-intron junction. Mutation Taster predicts a damaging outcome for this variant and 5/5 splice prediction tools predict a significant impact on splicing. However, these predictions have yet to be confirmed by functional studies. This variant was found in the large control database ExACat a frequency of 0.0000329 (4/121406 control chromosomes), which does not exceed the estimated maximal expected allele frequency of a pathogenic PEX12 variant (0.0015811). Multiple publications have detected and analyzed the variant in patient cohorts. Chang_AJHG_1998 detected the variant in two patients (PBD006 [severely affected] and PBD099 [mildly affected]), both of which were compound heterozygotes, each carrying a different second mutation allele (PBD006 - p.R180ter; PBD099 - c.26_27delCA causing a frameshift). Functional analyses showed a significant reduction in PBD006 mRNA levels (14% of WT levels) and a lesser reduction in PBD099 (70% of WT levels). Additional molecular studies showed that the c.26_27delCA mutation is a partially functional allele, accounting for the differences observed in phenotype severity and mRNA levels, and supporting a pathogenic role for the variant of interest. Another publication, Ebberink_HM_2011, performed high-throughput complementation assays in 613 patient skin fibroblast cell lines and detected the variant of interest in 8 patients (3 homozygous and 5 heterozygous). In addition, one clinical diagnostic laboratory has classified this variant as pathogenic. Taken together, this variant is classified as pathogenic.

Clinical Genetics DNA and cytogenetics Diagnostics Lab, Erasmus MC, Erasmus Medical Center
Classification: Likely pathogenic. Review status: no assertion criteria provided. Collection method: clinical testing. Allele origin: germline. Affected: yes. Study: VKGL Data-share Consensus. Not counted in ClinVar's aggregate classification.

Dr. Peter K. Rogan Lab, Western University
No classification provided (evidence only). Condition: Acute myeloid leukemia. Review status: no classification provided. Collection method: in vitro. Allele origin: not applicable. Functional consequence: retained intron. Not counted in ClinVar's aggregate classification.

Genome Diagnostics Laboratory, University Medical Center Utrecht
Classification: Pathogenic. Review status: no assertion criteria provided. Collection method: clinical testing. Allele origin: germline. Affected: yes. Study: VKGL Data-share Consensus. Not counted in ClinVar's aggregate classification.

Literature cited by the submitters: PubMed 16199547 (cited by Labcorp Genetics (formerly Invitae), Labcorp); PubMed 9090384 (cited by Labcorp Genetics (formerly Invitae), Labcorp); PubMed 9632816 (cited by Labcorp Genetics (formerly Invitae), Labcorp); PubMed 21031596 (cited by 4 submitters); PubMed 9792857 (cited by 4 submitters); PubMed 33123925 (cited by Dasa); PubMed 22871920 (cited by Dasa); PubMed 15542397 (cited by Women's Health and Genetics/Laboratory Corporation of America, LabCorp).

NM_000286.3(PEX12):c.126+1G>T

Gene: PEX12 (peroxisomal biogenesis factor 12; minus strand). Cytogenetic location: 17q12.
Variant type: single nucleotide variant.
Coding change: c.126+1G>T on transcript NM_000286.3 (MANE Select); the canonical splice donor site of the intron after coding-DNA position 126, G replaced by T.
Molecular consequence: splice donor variant.
Genome position (GRCh38, 1-based): chr17:35,577,895, C>A on the plus strand (G>T on the coding strand, the complement: PEX12 is on the minus strand). VCF-style: chr17-35577895-C-A. GRCh37 (hg19) VCF-style: chr17-33904914-C-A.
Identifiers: ClinVar variation 371718 (VCV000371718.29), dbSNP rs144259891, ClinGen allele CA8504979.